The following is an entry in ClinVar:

NM_198525.3(KIF7):c.3224C>T (p.Ser1075Leu)

Gene: KIF7 (kinesin family member 7; minus strand). Cytogenetic location: 15q26.1.
Variant type: single nucleotide variant.
Coding change: c.3224C>T on transcript NM_198525.3 (MANE Select); coding-DNA position 3224, C replaced by T.
Protein change: p.Ser1075Leu; replaces serine 1075 with leucine.
Molecular consequence: missense variant.
Genome position (GRCh38, 1-based): chr15:89,630,381, G>A on the plus strand (C>T on the coding strand, the complement: KIF7 is on the minus strand). VCF-style: chr15-89630381-G-A. GRCh37 (hg19) VCF-style: chr15-90173612-G-A.
Other names: c.3224C>T (NM_198525.2); short protein forms S1075L.
Identifiers: ClinVar variation 1039619 (VCV001039619.7), dbSNP rs149378390, ClinGen allele CA7727792.

ClinVar aggregate classification (germline): Uncertain significance. Review status: criteria provided, multiple submitters, no conflicts (2 of 4 stars). 3 submissions from 3 submitters: Uncertain significance (3). Last evaluated 2026-01-26.

Conditions:
Inborn genetic diseases. Identifiers: MedGen C0950123, MeSH D030342.
Acrocallosal syndrome (ACLS). Also called: HALLUX DUPLICATION, POSTAXIAL POLYDACTYLY, AND ABSENCE OF CORPUS CALLOSUM; Schinzel syndrome 1; Absence of corpus callosum with unusual facial appearance, mental deficiency, duplication of the halluces and polydactyly. Identifiers: Orphanet 36, MedGen C0796147, MONDO:0008708, OMIM 200990.
Multiple epiphyseal dysplasia, Al-Gazali type. Also called: Macrocephaly with multiple epiphyseal dysplasia and distinctive facies. Identifiers: Orphanet 166024, MedGen C1846722, MONDO:0011778, OMIM 607131.
Hydrolethalus syndrome 2 (HLS2). Identifiers: Orphanet 2189, MedGen C3279899, MONDO:0013585, OMIM 614120.

Allele frequency attached by ClinVar (database versions not stated): gnomAD exomes 0.00008 and 0.00010; TOPMed 0.00008; ExAC 0.00014; ESP Exome Variant Server 0.00015.

Submissions (3):

Labcorp Genetics (formerly Invitae), Labcorp
Classification: Uncertain significance for Acrocallosal syndrome. Last evaluated: 2026-01-26. Review status: criteria provided, single submitter. Criteria: Invitae Variant Classification Sherloc (09022015). Collection method: clinical testing. Allele origin: germline.
Comment: This sequence change replaces serine, which is neutral and polar, with leucine, which is neutral and non-polar, at codon 1075 of the KIF7 protein (p.Ser1075Leu). This variant is present in population databases (rs149378390, gnomAD 0.02%), including at least one homozygous and/or hemizygous individual. This variant has not been reported in the literature in individuals affected with KIF7-related conditions. ClinVar contains an entry for this variant (Variation ID: 1039619). Invitae Evidence Modeling of protein sequence and biophysical properties (such as structural, functional, and spatial information, amino acid conservation, physicochemical variation, residue mobility, and thermodynamic stability) indicates that this missense variant is not expected to disrupt KIF7 protein function with a negative predictive value of 80%. In summary, the available evidence is currently insufficient to determine the role of this variant in disease. Therefore, it has been classified as a Variant of Uncertain Significance.

Ambry Genetics
Classification: Uncertain significance for Inborn genetic diseases. Last evaluated: 2025-03-07. Review status: criteria provided, single submitter. Criteria: Ambry Variant Classification Scheme 2023. Collection method: clinical testing. Allele origin: germline.

Fulgent Genetics
Classification: Uncertain significance for Acrocallosal syndrome; Multiple epiphyseal dysplasia, Al-Gazali type; Hydrolethalus syndrome 2. Last evaluated: 2024-04-18. Review status: criteria provided, single submitter. Criteria: ACMG Guidelines, 2015. Collection method: clinical testing. Allele origin: germline.